The following is an entry in ClinVar:

ClinVar aggregate classification (germline): Benign/Likely benign. Review status: criteria provided, multiple submitters, no conflicts (2 of 4 stars). 13 submissions from 13 submitters: Benign (6); Likely benign (4). 3 of the submissions do not count toward it. Last evaluated 2026-06-01.

Conditions:
CHD2-related disorder. Also called: CHD2-related condition.
Inborn genetic diseases. Identifiers: MedGen C0950123, MeSH D030342.
Developmental and epileptic encephalopathy 94 (DEE94). Also called: Epileptic encephalopathy, childhood-onset; CHD2-Related Neurodevelopmental Disorders. Identifiers: Orphanet 1942, Orphanet 2382, MedGen C3809278, MONDO:0014150, OMIM 615369.

Allele frequency attached by ClinVar (database versions not stated): 1000 Genomes Project 0.00060; 1000 Genomes Project 30x 0.00062; TOPMed 0.00226; gnomAD 0.00245 and 0.00256; gnomAD exomes 0.00328; ESP Exome Variant Server 0.00385; ExAC 0.00437.
gnomAD v4.1: 5,791 of 1,614,170 alleles (0.36%); highest among the groups gnomAD compares: Non-Finnish European, 0.45%; 14 homozygotes.

Submissions (13):

CeGaT Center for Human Genetics Tuebingen
Classification: Benign. Last evaluated: 2026-06-01. Review status: criteria provided, single submitter. Criteria: CeGaT Center For Human Genetics Tuebingen Variant Classification Criteria Version 2. Collection method: clinical testing. Allele origin: germline. Affected: yes. Observed: 29 variant alleles.
Comment: CHD2: BP4, BS1, BS2

Labcorp Genetics (formerly Invitae), Labcorp
Classification: Benign for Developmental and epileptic encephalopathy 94. Last evaluated: 2026-02-03. Review status: criteria provided, single submitter. Criteria: Invitae Variant Classification Sherloc (09022015). Collection method: clinical testing. Allele origin: germline.

Blueprint Genetics
Classification: Likely benign. Last evaluated: 2024-11-25. Review status: criteria provided, single submitter. Criteria: ACMG Guidelines, 2015. Collection method: clinical testing. Allele origin: germline.

ARUP Laboratories, Molecular Genetics and Genomics, ARUP Laboratories
Classification: Benign for Developmental and epileptic encephalopathy 94. Last evaluated: 2024-09-16. Review status: criteria provided, single submitter. Criteria: ARUP Molecular Germline Variant Investigation Process 2024. Collection method: clinical testing. Allele origin: germline.

Fulgent Genetics
Classification: Likely benign for Developmental and epileptic encephalopathy 94. Last evaluated: 2022-04-01. Review status: criteria provided, single submitter. Criteria: ACMG Guidelines, 2015. Collection method: clinical testing. Allele origin: unknown.

Mayo Clinic Laboratories, Mayo Clinic
Classification: Benign. Last evaluated: 2019-07-15. Review status: criteria provided, single submitter. Criteria: ACMG Guidelines, 2015. Collection method: clinical testing. Allele origin: germline. Observed: 7 variant alleles.

Ambry Genetics
Classification: Likely benign for Inborn genetic diseases. Last evaluated: 2018-07-02. Review status: criteria provided, single submitter. Criteria: Ambry Variant Classification Scheme 2023. Collection method: clinical testing. Allele origin: germline.

GeneDx
Classification: Benign. Last evaluated: 2018-02-15. Review status: criteria provided, single submitter. Criteria: GeneDx Variant Classification (06012015). Collection method: clinical testing. Allele origin: germline. Affected: yes.
Comment: This variant is considered likely benign or benign based on one or more of the following criteria: it is a conservative change, it occurs at a poorly conserved position in the protein, it is predicted to be benign by multiple in silico algorithms, and/or has population frequency not consistent with disease.

Genetic Services Laboratory, University of Chicago
Classification: Benign. Last evaluated: 2017-12-18. Review status: criteria provided, single submitter. Criteria: ACMG Guidelines, 2015. Collection method: clinical testing. Allele origin: germline. Affected: no.

Breakthrough Genomics
Classification: Likely benign. Review status: criteria provided, single submitter. Criteria: ACMG Guidelines, 2015. Collection method: not provided. Allele origin: germline. Inheritance: Autosomal dominant inheritance. Affected: yes.

PreventionGenetics, part of Exact Sciences
Classification: Benign for CHD2-related condition. Last evaluated: 2021-03-03. Review status: no assertion criteria provided. Collection method: clinical testing. Allele origin: germline. Not counted in ClinVar's aggregate classification.
Comment: This variant is classified as benign based on ACMG/AMP sequence variant interpretation guidelines (Richards et al. 2015 PMID: 25741868, with internal and published modifications).

Clinical Genetics DNA and cytogenetics Diagnostics Lab, Erasmus MC, Erasmus Medical Center
Classification: Likely benign. Review status: no assertion criteria provided. Collection method: clinical testing. Allele origin: germline. Affected: yes. Study: VKGL Data-share Consensus. Not counted in ClinVar's aggregate classification.

Genome Diagnostics Laboratory, University Medical Center Utrecht
Classification: Likely benign. Review status: no assertion criteria provided. Collection method: clinical testing. Allele origin: germline. Affected: yes. Study: VKGL Data-share Consensus. Not counted in ClinVar's aggregate classification.

NM_001271.4(CHD2):c.608A>G (p.Lys203Arg)

Gene: CHD2 (chromodomain helicase DNA binding protein 2; plus strand). Cytogenetic location: 15q26.1.
Variant type: single nucleotide variant.
Coding change: c.608A>G on transcript NM_001271.4 (MANE Select); coding-DNA position 608, A replaced by G.
Protein change: p.Lys203Arg; replaces lysine 203 with arginine.
Molecular consequence: missense variant.
Genome position (GRCh38, 1-based): chr15:92,939,634, A>G. VCF-style: chr15-92939634-A-G. GRCh37 (hg19) VCF-style: chr15-93482864-A-G.
Other names: p.Lys203Arg; c.608A>G, p.Lys203Arg (NM_001042572.3); short protein forms K203R.
Identifiers: ClinVar variation 257714 (VCV000257714.58), dbSNP rs117844037, ClinGen allele CA7747582.